The following is an entry in ClinVar:

NM_024665.7(TBL1XR1):c.496C>T (p.Arg166Trp)

Gene: TBL1XR1 (TBL1X/Y related 1; minus strand). Cytogenetic location: 3q26.32.
Variant type: single nucleotide variant.
Coding change: c.496C>T on transcript NM_024665.7 (MANE Select); coding-DNA position 496, C replaced by T.
Protein change: p.Arg166Trp; replaces arginine 166 with tryptophan.
Molecular consequence: missense variant.
Genome position (GRCh38, 1-based): chr3:177,050,542, G>A on the plus strand (C>T on the coding strand, the complement: TBL1XR1 is on the minus strand). VCF-style: chr3-177050542-G-A. GRCh37 (hg19) VCF-style: chr3-176768330-G-A.
Other names: c.496C>T, p.Arg166Trp (NM_001321193.3, NM_001321194.3, NM_001374327.1 and 2 more transcripts); c.235C>T, p.Arg79Trp (NM_001321195.3, NM_001374330.1); short protein forms R166W, R79W.
Identifiers: ClinVar variation 3369638 (VCV003369638.2).

ClinVar aggregate classification (germline): Uncertain significance (1 of 4 stars; one submission).

Submission:

GeneDx
Classification: Uncertain significance. Last evaluated: 2024-12-26. Review status: criteria provided, single submitter. Criteria: GeneDx Variant Classification Process June 2021. Collection method: clinical testing. Allele origin: germline.
Comment: Not observed at significant frequency in large population cohorts (gnomAD); In silico analysis supports that this missense variant has a deleterious effect on protein structure/function; Has not been previously published as pathogenic or benign to our knowledge